The following is an entry in ClinVar:

ClinVar aggregate classification (germline): Uncertain significance (1 of 4 stars; one submission).

Allele frequency attached by ClinVar (database versions not stated): gnomAD 0.00002; TOPMed 0.00004; gnomAD exomes 0.00007; ExAC 0.00012; 1000 Genomes Project 30x 0.00016; 1000 Genomes Project 0.00020.
gnomAD v4.1: 109 of 1,594,518 alleles (0.0068%); highest among the groups gnomAD compares: Admixed American, 0.011%; no homozygotes.

Submission:

Labcorp Genetics (formerly Invitae), Labcorp
Classification: Uncertain significance. Last evaluated: 2022-06-15. Review status: criteria provided, single submitter. Criteria: Invitae Variant Classification Sherloc (09022015). Collection method: clinical testing. Allele origin: germline.
Comment: This sequence change replaces threonine, which is neutral and polar, with methionine, which is neutral and non-polar, at codon 2693 of the SPEG protein (p.Thr2693Met). The frequency data for this variant in the population databases is considered unreliable, as metrics indicate poor data quality at this position in the gnomAD database. This variant has not been reported in the literature in individuals affected with SPEG-related conditions. Algorithms developed to predict the effect of missense changes on protein structure and function are either unavailable or do not agree on the potential impact of this missense change (SIFT: "Deleterious"; PolyPhen-2: "Probably Damaging"; Align-GVGD: "Class C0"). In summary, the available evidence is currently insufficient to determine the role of this variant in disease. Therefore, it has been classified as a Variant of Uncertain Significance.

NM_005876.5(SPEG):c.8078C>T (p.Thr2693Met)

Genes: ASIC4-AS1 (ASIC4 antisense RNA 1; minus strand), SPEG (striated muscle enriched protein kinase; plus strand). Cytogenetic location: 2q35.
Variant type: single nucleotide variant.
Coding change: c.8078C>T on transcript NM_005876.5 (MANE Select); coding-DNA position 8078, C replaced by T.
Protein change: p.Thr2693Met; replaces threonine 2693 with methionine.
Molecular consequence: missense variant.
Genome position (GRCh38, 1-based): chr2:219,488,829, C>T. VCF-style: chr2-219488829-C-T. GRCh37 (hg19) VCF-style: chr2-220353551-C-T.
Other names: short protein forms T2693M.
Identifiers: ClinVar variation 2414047 (VCV002414047.3), dbSNP rs200879669, ClinGen allele CA2127384.